The following is an entry in ClinVar:

ClinVar aggregate classification (germline): Uncertain significance (1 of 4 stars; one submission).

Allele frequency attached by ClinVar (database versions not stated): gnomAD exomes below 0.00001; ExAC 0.00001.
gnomAD v4.1: 1 of 1,612,900 alleles (0.000062%); highest among the groups gnomAD compares: Non-Finnish European, 0.000085%; no homozygotes.

Submission:

Labcorp Genetics (formerly Invitae), Labcorp
Classification: Uncertain significance. Last evaluated: 2022-03-18. Review status: criteria provided, single submitter. Criteria: Invitae Variant Classification Sherloc (09022015). Collection method: clinical testing. Allele origin: germline.
Comment: This variant is present in population databases (rs767645899, gnomAD 0.0009%). This variant has not been reported in the literature in individuals affected with SORL1-related conditions. Algorithms developed to predict the effect of missense changes on protein structure and function (SIFT, PolyPhen-2, Align-GVGD) all suggest that this variant is likely to be disruptive. In summary, the available evidence is currently insufficient to determine the role of this variant in disease. Therefore, it has been classified as a Variant of Uncertain Significance. This sequence change replaces cysteine, which is neutral and slightly polar, with tyrosine, which is neutral and polar, at codon 1471 of the SORL1 protein (p.Cys1471Tyr).

NM_003105.6(SORL1):c.4412G>A (p.Cys1471Tyr)

Genes: SORL1 (sortilin related receptor 1; plus strand), LOC126861368 (P300/CBP strongly-dependent group 1 enhancer GRCh37_chr11:121465964-121467163; plus strand). Cytogenetic location: 11q24.1.
Variant type: single nucleotide variant.
Coding change: c.4412G>A on transcript NM_003105.6 (MANE Select); coding-DNA position 4412, G replaced by A.
Protein change: p.Cys1471Tyr; replaces cysteine 1471 with tyrosine.
Molecular consequence: missense variant.
Genome position (GRCh38, 1-based): chr11:121,595,665, G>A. VCF-style: chr11-121595665-G-A. GRCh37 (hg19) VCF-style: chr11-121466374-G-A.
Other names: short protein forms C1471Y.
Identifiers: ClinVar variation 1378044 (VCV001378044.6), dbSNP rs767645899, ClinGen allele CA6329622.